The following is an entry in ClinVar:

NM_032119.4(ADGRV1):c.878T>G (p.Leu293Arg)

Gene: ADGRV1 (adhesion G protein-coupled receptor V1; plus strand). Cytogenetic location: 5q14.3.
Variant type: single nucleotide variant.
Coding change: c.878T>G on transcript NM_032119.4 (MANE Select); coding-DNA position 878, T replaced by G.
Protein change: p.Leu293Arg; replaces leucine 293 with arginine.
Molecular consequence: missense variant. On other transcripts: non-coding transcript variant (1).
Genome position (GRCh38, 1-based): chr5:90,627,416, T>G. VCF-style: chr5-90627416-T-G. GRCh37 (hg19) VCF-style: chr5-89923233-T-G.
Other names: short protein forms L293R.
Identifiers: ClinVar variation 1437712 (VCV001437712.3), dbSNP rs2149376532, ClinGen allele CA360366555.

ClinVar aggregate classification (germline): Uncertain significance (1 of 4 stars; one submission).

gnomAD v4.1: 2 of 1,613,944 alleles (0.00012%); highest among the groups gnomAD compares: Middle Eastern, 0.016%; no homozygotes.

Submission:

Labcorp Genetics (formerly Invitae), Labcorp
Classification: Uncertain significance. Last evaluated: 2021-08-01. Review status: criteria provided, single submitter. Criteria: Invitae Variant Classification Sherloc (09022015). Collection method: clinical testing. Allele origin: germline.
Comment: This sequence change replaces leucine with arginine at codon 293 of the ADGRV1 protein (p.Leu293Arg). The leucine residue is moderately conserved and there is a moderate physicochemical difference between leucine and arginine. This variant is not present in population databases (ExAC no frequency). This variant has not been reported in the literature in individuals affected with ADGRV1-related conditions. Algorithms developed to predict the effect of missense changes on protein structure and function are either unavailable or do not agree on the potential impact of this missense change (SIFT: "Deleterious"; PolyPhen-2: "Benign"; Align-GVGD: "Class C0"). In summary, the available evidence is currently insufficient to determine the role of this variant in disease. Therefore, it has been classified as a Variant of Uncertain Significance.